The following is an entry in ClinVar:

ClinVar aggregate classification (germline): Likely pathogenic (1 of 4 stars; one submission).

Submission:

Labcorp Genetics (formerly Invitae), Labcorp
Classification: Likely pathogenic. Last evaluated: 2023-05-12. Review status: criteria provided, single submitter. Criteria: Invitae Variant Classification Sherloc (09022015). Collection method: clinical testing. Allele origin: germline.
Comment: This variant is not present in population databases (gnomAD no frequency). In summary, the currently available evidence indicates that the variant is pathogenic, but additional data are needed to prove that conclusively. Therefore, this variant has been classified as Likely Pathogenic. Algorithms developed to predict the effect of sequence changes on RNA splicing suggest that this variant may disrupt the consensus splice site. This variant has not been reported in the literature in individuals affected with TG-related conditions. This sequence change affects an acceptor splice site in intron 7 of the TG gene. It is expected to disrupt RNA splicing. Variants that disrupt the donor or acceptor splice site typically lead to a loss of protein function (PMID: 16199547), and loss-of-function variants in TG are known to be pathogenic (PMID: 19837936, 23164529).

Literature cited by the submitters: PubMed 16199547; PubMed 19837936; PubMed 23164529.

NM_003235.5(TG):c.890-2A>G

Gene: TG (thyroglobulin; plus strand). Cytogenetic location: 8q24.22.
Variant type: single nucleotide variant.
Coding change: c.890-2A>G on transcript NM_003235.5 (MANE Select); the canonical splice acceptor site of the intron before coding-DNA position 890, A replaced by G.
Molecular consequence: splice acceptor variant.
Genome position (GRCh38, 1-based): chr8:132,882,812, A>G. VCF-style: chr8-132882812-A-G. GRCh37 (hg19) VCF-style: chr8-133895057-A-G.
Identifiers: ClinVar variation 2863779 (VCV002863779.3), dbSNP rs2489734182, ClinGen allele CA372227691.